The following is an entry in ClinVar:

NM_139318.5(KCNH5):c.1518G>A (p.Met506Ile)

Gene: KCNH5 (potassium voltage-gated channel subfamily H member 5; minus strand). Cytogenetic location: 14q23.2.
Variant type: single nucleotide variant.
Coding change: c.1518G>A on transcript NM_139318.5 (MANE Select); coding-DNA position 1518, G replaced by A.
Protein change: p.Met506Ile; replaces methionine 506 with isoleucine.
Molecular consequence: missense variant.
Genome position (GRCh38, 1-based): chr14:62,849,704, C>T on the plus strand (G>A on the coding strand, the complement: KCNH5 is on the minus strand). VCF-style: chr14-62849704-C-T. GRCh37 (hg19) VCF-style: chr14-63316422-C-T.
Other names: c.1518G>A, p.Met506Ile (NM_172375.3); short protein forms M506I.
Identifiers: ClinVar variation 2505824 (VCV002505824.1), dbSNP rs2502866841, ClinGen allele CA390102314.

ClinVar aggregate classification (germline): Uncertain significance (1 of 4 stars; one submission).

Submission:

GeneDx
Classification: Uncertain significance. Last evaluated: 2022-12-14. Review status: criteria provided, single submitter. Criteria: GeneDx Variant Classification Process June 2021. Collection method: clinical testing. Allele origin: germline. Affected: yes.
Comment: Not observed at significant frequency in large population cohorts (gnomAD); In silico analysis supports that this missense variant has a deleterious effect on protein structure/function; Has not been previously published as pathogenic or benign to our knowledge